The following is an entry in ClinVar:

ClinVar aggregate classification (germline): Likely benign. Review status: criteria provided, multiple submitters, no conflicts (2 of 4 stars). 6 submissions from 6 submitters: Likely benign (4). 2 of the submissions do not count toward it. Last evaluated 2026-09-01.

Allele frequency attached by ClinVar (database versions not stated): 1000 Genomes Project 0.00020; 1000 Genomes Project 30x 0.00031; gnomAD 0.00070 and 0.00075; TOPMed 0.00074; gnomAD exomes 0.00080 and 0.00102; ExAC 0.00081; ESP Exome Variant Server 0.00100.
gnomAD v4.1: 1,572 of 1,614,176 alleles (0.097%); highest among the groups gnomAD compares: Non-Finnish European, 0.12%; 3 homozygotes.

Submissions (6):

CeGaT Center for Human Genetics Tuebingen
Classification: Likely benign. Last evaluated: 2026-09-01. Review status: criteria provided, single submitter. Criteria: CeGaT Center For Human Genetics Tuebingen Variant Classification Criteria Version 2. Collection method: clinical testing. Allele origin: germline. Affected: yes. Observed: 1 variant allele.
Comment: PPM1D: BP4, BS1

Labcorp Genetics (formerly Invitae), Labcorp
Classification: Likely benign. Last evaluated: 2026-01-13. Review status: criteria provided, single submitter. Criteria: Invitae Variant Classification Sherloc (09022015). Collection method: clinical testing. Allele origin: germline.

Blueprint Genetics
Classification: Likely benign. Last evaluated: 2024-11-21. Review status: criteria provided, single submitter. Criteria: ACMG Guidelines, 2015. Collection method: clinical testing. Allele origin: germline.

PreventionGenetics, part of Exact Sciences
Classification: Likely benign. Review status: criteria provided, single submitter. Criteria: ACMG Guidelines, 2015. Collection method: clinical testing. Allele origin: germline.

Diagnostic Laboratory, Department of Genetics, University Medical Center Groningen
Classification: Likely benign. Review status: no assertion criteria provided. Collection method: clinical testing. Allele origin: germline. Affected: yes. Study: VKGL Data-share Consensus. Not counted in ClinVar's aggregate classification.

Laboratory of Diagnostic Genome Analysis, Leiden University Medical Center (LUMC)
Classification: Likely benign. Review status: no assertion criteria provided. Collection method: clinical testing. Allele origin: germline. Affected: yes. Study: VKGL Data-share Consensus. Not counted in ClinVar's aggregate classification.

NM_003620.4(PPM1D):c.1486A>G (p.Ile496Val)

Gene: PPM1D (protein phosphatase, Mg2+/Mn2+ dependent 1D; plus strand). Cytogenetic location: 17q23.2.
Variant type: single nucleotide variant.
Coding change: c.1486A>G on transcript NM_003620.4 (MANE Select); coding-DNA position 1486, A replaced by G.
Protein change: p.Ile496Val; replaces isoleucine 496 with valine.
Molecular consequence: missense variant.
Genome position (GRCh38, 1-based): chr17:60,663,220, A>G. VCF-style: chr17-60663220-A-G. GRCh37 (hg19) VCF-style: chr17-58740581-A-G.
Other names: short protein forms I496V.
Identifiers: ClinVar variation 259102 (VCV000259102.15), dbSNP rs35491690, ClinGen allele CA8687803.